The following is an entry in ClinVar:

NM_022041.4(GAN):c.*1250T>G

Gene: GAN (gigaxonin; plus strand). Cytogenetic location: 16q23.2.
Variant type: single nucleotide variant.
Coding change: c.*1250T>G on transcript NM_022041.4 (MANE Select); 1250 bases downstream of the stop codon, T replaced by G.
Molecular consequence: 3 prime UTR variant.
Genome position (GRCh38, 1-based): chr16:81,378,846, T>G. VCF-style: chr16-81378846-T-G. GRCh37 (hg19) VCF-style: chr16-81412451-T-G.
Other names: c.*1250T>G (NM_001377486.1).
Identifiers: ClinVar variation 320687 (VCV000320687.6), dbSNP rs61096092, ClinGen allele CA10644335.

ClinVar aggregate classification (germline): Benign. Review status: criteria provided, multiple submitters, no conflicts (2 of 4 stars). 2 submissions from 2 submitters: Benign (2). Last evaluated 2018-01-13.

Conditions:
Giant axonal neuropathy 1 (GAN1). Also called: GAN-Related Neurodegeneration; GIANT AXONAL NEUROPATHY 1, AUTOSOMAL RECESSIVE. Identifiers: Orphanet 643, MedGen C1850386, MONDO:0009749, OMIM 256850.

Allele frequency attached by ClinVar (database versions not stated): gnomAD exomes 0.03066; TOPMed 0.05081; gnomAD 0.05139; 1000 Genomes Project 0.05631; 1000 Genomes Project 30x 0.05887.
gnomAD v4.1: 7,509 of 152,664 alleles (4.9%); highest among the groups gnomAD compares: African/African-American, 12%; 322 homozygotes.

Submissions (2):

Illumina Laboratory Services, Illumina
Classification: Benign for Giant axonal neuropathy 1. Last evaluated: 2018-01-13. Review status: criteria provided, single submitter. Criteria: ICSL Variant Classification Criteria 13 December 2019. Collection method: clinical testing. Allele origin: germline.
Comment: This variant was observed in the ICSL laboratory as part of a predisposition screen in an ostensibly healthy population. It had not been previously curated by ICSL or reported in the Human Gene Mutation Database (HGMD: prior to June 1st, 2018), and was therefore a candidate for classification through an automated scoring system. Utilizing variant allele frequency, disease prevalence and penetrance estimates, and inheritance mode, an automated score was calculated to assess if this variant is too frequent to cause the disease. Based on the score and internal cut-off values, a variant classified as benign is not then subjected to further curation. The score for this variant resulted in a classification of benign for this disease.

Breakthrough Genomics
Classification: Benign. Review status: criteria provided, single submitter. Criteria: ACMG Guidelines, 2015. Collection method: not provided. Allele origin: germline. Inheritance: Autosomal recessive inheritance. Affected: yes.